The following is an entry in ClinVar:

NM_020686.6(ABAT):c.448-15T>A

Gene: ABAT (4-aminobutyrate aminotransferase; plus strand). Cytogenetic location: 16p13.2.
Variant type: single nucleotide variant.
Coding change: c.448-15T>A on transcript NM_020686.6 (MANE Select); 15 bases into the intron before coding-DNA position 448, T replaced by A.
Molecular consequence: intron variant.
Genome position (GRCh38, 1-based): chr16:8,764,723, T>A. VCF-style: chr16-8764723-T-A. GRCh37 (hg19) VCF-style: chr16-8858580-T-A.
Other names: c.448-15T>A (NM_001386602.1, NM_001386609.1, NM_001386605.1 and 9 more transcripts); c.544-15T>A (NM_001386615.1); c.447+574T>A (NM_001386608.1); c.313-15T>A (NM_001386610.1, NM_001386611.1, NM_001386612.1 and 1 more transcripts); c.202-15T>A (NM_001386614.1).
Identifiers: ClinVar variation 321071 (VCV000321071.18), dbSNP rs2302608, ClinGen allele CA7893140.

ClinVar aggregate classification (germline): Benign. Review status: criteria provided, multiple submitters, no conflicts (2 of 4 stars). 4 submissions from 4 submitters: Benign (4). Last evaluated 2026-02-04.

Conditions:
Gamma-aminobutyric acid transaminase deficiency (GABATD). Also called: GABA aminotransaminase deficiency; GABA transaminase deficiency; Gamma aminobutyrate transaminase deficiency; 4 alpha aminobutyrate transaminase deficiency. Identifiers: Orphanet 2066, MedGen C0342708, MONDO:0013166, OMIM 613163.

Allele frequency attached by ClinVar (database versions not stated): 1000 Genomes Project 30x 0.82417; 1000 Genomes Project 0.82588; ESP Exome Variant Server 0.85901; TOPMed 0.86129; gnomAD 0.86246 and 0.86261; ExAC 0.89854; gnomAD exomes 0.90170 and 0.91662.
gnomAD v4.1: 1,469,758 of 1,613,044 alleles (91%); highest among the groups gnomAD compares: Admixed American, 94%; 671,654 homozygotes.

Submissions (6):

Labcorp Genetics (formerly Invitae), Labcorp
Classification: Benign for Gamma-aminobutyric acid transaminase deficiency. Last evaluated: 2026-02-04. Review status: criteria provided, single submitter. Criteria: Invitae Variant Classification Sherloc (09022015). Collection method: clinical testing. Allele origin: germline.

Genome-Nilou Lab
Classification: Benign for Gamma-aminobutyric acid transaminase deficiency. Last evaluated: 2021-07-14. Review status: criteria provided, single submitter. Criteria: ACMG Guidelines, 2015. Collection method: clinical testing. Allele origin: germline. Affected: no.

Illumina Laboratory Services, Illumina
Classification: Benign for Gamma-aminobutyric acid transaminase deficiency. Last evaluated: 2018-01-12. Review status: criteria provided, single submitter. Criteria: ICSL Variant Classification Criteria 13 December 2019. Collection method: clinical testing. Allele origin: germline.
Comment: This variant was observed in the ICSL laboratory as part of a predisposition screen in an ostensibly healthy population. It had not been previously curated by ICSL or reported in the Human Gene Mutation Database (HGMD: prior to June 1st, 2018), and was therefore a candidate for classification through an automated scoring system. Utilizing variant allele frequency, disease prevalence and penetrance estimates, and inheritance mode, an automated score was calculated to assess if this variant is too frequent to cause the disease. Based on the score and internal cut-off values, a variant classified as benign is not then subjected to further curation. The score for this variant resulted in a classification of benign for this disease.

Breakthrough Genomics
Classification: Benign. Review status: criteria provided, single submitter. Criteria: ACMG Guidelines, 2015. Collection method: not provided. Allele origin: germline. Inheritance: Autosomal recessive inheritance. Affected: yes.

Dr. Peter K. Rogan Lab, Western University
No classification provided (evidence only). Condition: Familial cancer of breast. Review status: no classification provided. Collection method: in vitro. Allele origin: not applicable. Functional consequence: retained intron. Not counted in ClinVar's aggregate classification.

Dr. Peter K. Rogan Lab, Western University
No classification provided (evidence only). Condition: Hepatocellular carcinoma. Review status: no classification provided. Collection method: in vitro. Allele origin: not applicable. Functional consequence: retained intron. Not counted in ClinVar's aggregate classification.